The following is an entry in ClinVar:

ClinVar aggregate classification (germline): Likely benign. Review status: criteria provided, multiple submitters, no conflicts (2 of 4 stars). 2 submissions from 2 submitters: Likely benign (2). Last evaluated 2024-12-13.

Conditions:
SLC24A1-related disorder. Also called: SLC24A1-related condition.

Allele frequency attached by ClinVar (database versions not stated): gnomAD exomes 0.00001 and 0.00002; ExAC 0.00002; TOPMed 0.00002.
gnomAD v4.1: 5 of 1,613,950 alleles (0.00031%); highest among the groups gnomAD compares: Admixed American, 0.0083%; no homozygotes.

Submissions (2):

PreventionGenetics, part of Exact Sciences
Classification: Likely benign for SLC24A1-related condition. Last evaluated: 2024-12-13. Review status: criteria provided, single submitter. Criteria: ACMG Guidelines, 2015. Collection method: clinical testing. Allele origin: germline.
Comment: This variant is classified as likely benign based on ACMG/AMP sequence variant interpretation guidelines (Richards et al. 2015 PMID: 25741868, with internal and published modifications).

Labcorp Genetics (formerly Invitae), Labcorp
Classification: Likely benign. Last evaluated: 2024-09-04. Review status: criteria provided, single submitter. Criteria: Invitae Variant Classification Sherloc (09022015). Collection method: clinical testing. Allele origin: germline.

NM_004727.3(SLC24A1):c.3195A>G (p.Arg1065=)

Gene: SLC24A1 (solute carrier family 24 member 1; plus strand). Cytogenetic location: 15q22.31.
Variant type: single nucleotide variant.
Coding change: c.3195A>G on transcript NM_004727.3 (MANE Select); coding-DNA position 3195, A replaced by G.
Protein change: p.Arg1065=; no amino-acid change (arginine 1065 retained).
Molecular consequence: synonymous variant. On other transcripts: intron variant (1).
Genome position (GRCh38, 1-based): chr15:65,653,974, A>G. VCF-style: chr15-65653974-A-G. GRCh37 (hg19) VCF-style: chr15-65946312-A-G.
Other names: c.3105A>G, p.Arg1035= (NM_001301031.1); c.3141A>G, p.Arg1047= (NM_001301032.1); c.2996+1166A>G (NM_001301033.2); c.1176A>G, p.Arg392= (NM_001254740.2); c.3195A>G (NM_004727.2).
Identifiers: ClinVar variation 1124967 (VCV001124967.10), dbSNP rs763343636, ClinGen allele CA7620335.